The following is an entry in ClinVar:

NM_198253.3(TERT):c.2521C>T (p.Leu841Phe)

Gene: TERT (telomerase reverse transcriptase; minus strand). Cytogenetic location: 5p15.33.
Variant type: single nucleotide variant.
Coding change: c.2521C>T on transcript NM_198253.3 (MANE Select); coding-DNA position 2521, C replaced by T.
Protein change: p.Leu841Phe; replaces leucine 841 with phenylalanine.
Molecular consequence: missense variant. On other transcripts: non-coding transcript variant (2).
Genome position (GRCh38, 1-based): chr5:1,268,581, G>A on the plus strand (C>T on the coding strand, the complement: TERT is on the minus strand). VCF-style: chr5-1268581-G-A. GRCh37 (hg19) VCF-style: chr5-1268696-G-A.
Other names: p.Ala780Val; c.2521C>T, p.Leu841Phe (NM_001193376.3); c.2521C>T (NM_198253.2); short protein forms L841F.
Identifiers: ClinVar variation 1695949 (VCV001695949.2), dbSNP rs2478180846, ClinGen allele CA359074724.
Genomic context (GRCh38, chr5:1,268,581, plus strand): 5'-CGTCCCGCCGAATCCCCGCAAACAGCTTGTTCTCCATGTCGCCGTAGCACAGGCTGCAGA[G>A]CAGCGTGGAGAGGATGGAGCCCTGCGGGATCCCCTGGCACTGGACGTAGGACCTGGGGCG-3'
Protein context (NP_937983.2, residues 831-851): IPQGSILSTL[Leu841Phe]CSLCYGDMEN

ClinVar aggregate classification (germline): Likely pathogenic. Review status: criteria provided, single submitter (1 of 4 stars). 2 submissions from 2 submitters: Likely pathogenic (1). 1 of the submissions does not count toward it. Last evaluated 2024-09-11.

Conditions:
Pulmonary fibrosis. Identifiers: MedGen C0034069, MONDO:0002771, HP:0002206.
Pulmonary fibrosis and/or bone marrow failure, Telomere-related, 1. Also called: PULMONARY FIBROSIS AND/OR BONE MARROW FAILURE SYNDROME, TELOMERE-RELATED, 1. Identifiers: Orphanet 88, MedGen C3553617, MONDO:0013878, OMIM 614742.

Submissions (2):

Johns Hopkins Genomics, Johns Hopkins University
Classification: Likely pathogenic for Pulmonary fibrosis and/or bone marrow failure, Telomere-related, 1. Last evaluated: 2024-09-11. Review status: criteria provided, single submitter. Criteria: ACMG Guidelines, 2015. Collection method: clinical testing. Allele origin: germline.
Comment: Additionally, this variant was shown to result in decreased telomerase activity. This variant is absent from a large population dataset, and has been reported in ClinVar (Variation ID 1695949). We consider c.2521C>T in TERT to be likely pathogenic.

Garcia Pulmonary Genetics Research Laboratory, Columbia University Irving Medical Center
Classification: Likely risk allele for Pulmonary fibrosis. Last evaluated: 2022-06-09. Review status: no assertion criteria provided. Collection method: research. Allele origin: germline. Affected: yes. Not counted in ClinVar's aggregate classification.
Comment: Leukocyte telomere length (by qPCR) less than 10th percentile age-adjusted

Literature cited by the submitters: PubMed 21436073 (cited by Johns Hopkins Genomics, Johns Hopkins University); PubMed 24833766 (cited by Johns Hopkins Genomics, Johns Hopkins University).